The following is an entry in ClinVar:

ClinVar aggregate classification (germline): Pathogenic (1 of 4 stars; one submission).

Conditions:
Hereditary spastic paraplegia 11. Also called: SPASTIC PARAPLEGIA, AUTOSOMAL RECESSIVE, COMPLICATED, WITH THIN CORPUS CALLOSUM; SPASTIC PARAPLEGIA, AUTOSOMAL RECESSIVE, WITH MENTAL IMPAIRMENT AND THIN CORPUS CALLOSUM; Nakamura Osame syndrome; Autosomal recessive hereditary spastic paraplegia, mental impairment, and thin corpus callosum; Spastic paraplegia, mental retardation and thin corpus callosum; Spastic Paraplegia 11. Identifiers: Orphanet 2822, MedGen C1858479, MONDO:0011445, OMIM 604360.

Submission:

Labcorp Genetics (formerly Invitae), Labcorp
Classification: Pathogenic for Hereditary spastic paraplegia 11. Last evaluated: 2017-04-04. Review status: criteria provided, single submitter. Criteria: Invitae Variant Classification Sherloc (09022015). Collection method: clinical testing. Allele origin: germline.
Comment: For these reasons, this variant has been classified as Pathogenic. Retrotransposon insertions including LINE1 (L1), Alu, and SVA (SINE-VNTR-Alu) have been reported to be disease-causing through disruption of either a coding region or splice site (PMID: 19763152, 20307669, 22406018). Although this variant has not been reported in the literature, loss-of-function variants in SPG11 are known to be pathogenic (PMID:18079167, 19105190, 26556829). This sequence change inserts a LINE (L1) retrotransposon in exon 8 of the SPG11 mRNA (c.1654_1655insL1), causing a frameshift at codon 552 (p.Lys552fs). The exact size and sequence of the insertion cannot be determined by the current assay. However, the insertion is expected to result in an absent or disrupted protein product.

Literature cited by the submitters: PubMed 19763152; PubMed 20307669; PubMed 22406018; PubMed 18079167; PubMed 19105190; PubMed 26556829.

NM_025137.4(SPG11):c.1654_1655insGGAAAATCTTTTTTTTTTTTTTTTTTTTTNNNNNNNNGGGAGAGGGAGAGGGAGAGGGAGAGGGAGAGGGAGAGGGAGAGGGGA (p.Ser551_Lys552insArgLysIlePhePhePhePhePhePhePheXaaXaaXaaGlyGluGlyGluGlyGluGlyGluGlyGluGlyGluGlyGluGly)

Gene: SPG11 (SPG11 vesicle trafficking associated, spatacsin; minus strand). Cytogenetic location: 15q21.1.
Variant type: Insertion.
Coding change: c.1654_1655insGGAAAATCTTTTTTTTTTTTTTTTTTTTTNNNNNNNNGGGAGAGGGAGAGGGAGAGGGAGAGGGAGAGGGAGAGGGAGAGGGGA on transcript NM_025137.4 (MANE Select); coding-DNA positions 1654 to 1655, GGAAAATCTTTTTTTTTTTTTTTTTTTTTNNNNNNNNGGGAGAGGGAGAGGGAGAGGGAGAGGGAGAGGGAGAGGGAGAGGGGA inserted.
Protein change: p.Ser551_Lys552insArgLysIlePhePhePhePhePhePhePheXaaXaaXaaGlyGluGlyGluGlyGluGlyGluGlyGluGlyGluGlyGluGly.
Molecular consequence: inframe insertion.
Genome position: GRCh38: chr15:44,633,586-44,633,587. GRCh37 (hg19): chr15:44,925,784-44,925,785.
Other names: c.1654_1655insGGAAAATCTTTTTTTTTTTTTTTTTTTTTNNNNNNNNGGGAGAGGGAGAGGGAGAGGGAGAGGGAGAGGGAGAGGGAGAGGGGA, p.Ser551_Lys552insArgLysIlePhePhePhePhePhePhePheXaaXaaXaaGlyGluGlyGluGlyGluGlyGluGlyGluGlyGluGlyGluGly (NM_001160227.2).
Identifiers: ClinVar variation 1068457 (VCV001068457.9), dbSNP rs2141056921.